The following is an entry in ClinVar:

NM_015978.3(TNNI3K):c.467del (p.His156fs)

Genes: FPGT-TNNI3K (FPGT-TNNI3K readthrough; plus strand), TNNI3K (TNNI3 interacting kinase; plus strand). Cytogenetic location: 1p31.1.
Variant type: Deletion.
Coding change: c.467del on transcript NM_015978.3 (MANE Select); coding-DNA position 467, one base deleted (A; older notation c.467delA).
Protein change: p.His156fs; shifts the reading frame from histidine 156.
Molecular consequence: frameshift variant.
Genome position (GRCh38, 1-based): chr1:74,331,472, A deleted. VCF-style (leftmost placement, unchanged base first): chr1-74331471-CA-C. GRCh37 (hg19) VCF-style: chr1-74797155-CA-C.
Other names: c.770del, p.His257fs (NM_001112808.3, NM_001199327.2); short protein forms H257fs, H156fs.
Identifiers: ClinVar variation 2132532 (VCV002132532.4), dbSNP rs2524314272, ClinGen allele CA2580063302.

ClinVar aggregate classification (germline): Uncertain significance (1 of 4 stars; one submission).

Submission:

Labcorp Genetics (formerly Invitae), Labcorp
Classification: Uncertain significance. Last evaluated: 2022-05-01. Review status: criteria provided, single submitter. Criteria: Invitae Variant Classification Sherloc (09022015). Collection method: clinical testing. Allele origin: germline.
Comment: This variant is not present in population databases (gnomAD no frequency). This variant has not been reported in the literature in individuals affected with TNNI3K-related conditions. In summary, the available evidence is currently insufficient to determine the role of this variant in disease. Therefore, it has been classified as a Variant of Uncertain Significance. This sequence change creates a premature translational stop signal (p.His156Leufs*27) in the TNNI3K gene. It is expected to result in an absent or disrupted protein product. However, the current clinical and genetic evidence is not sufficient to establish whether loss-of-function variants in TNNI3K cause disease.